The following is an entry in ClinVar:

NM_005476.7(GNE):c.980C>T (p.Thr327Ile)

Gene: GNE (glucosamine (UDP-N-acetyl)-2-epimerase/N-acetylmannosamine kinase; minus strand). Cytogenetic location: 9p13.3.
Variant type: single nucleotide variant.
Coding change: c.980C>T on transcript NM_005476.7 (MANE Select); coding-DNA position 980, C replaced by T.
Protein change: p.Thr327Ile; replaces threonine 327 with isoleucine.
Molecular consequence: missense variant.
Genome position (GRCh38, 1-based): chr9:36,233,922, G>A on the plus strand (C>T on the coding strand, the complement: GNE is on the minus strand). VCF-style: chr9-36233922-G-A. GRCh37 (hg19) VCF-style: chr9-36233919-G-A.
Other names: c.1073C>T, p.Thr358Ile (NM_001128227.3); c.980C>T, p.Thr327Ile (NM_001190383.3); c.650C>T, p.Thr217Ile (NM_001190384.3); c.803C>T, p.Thr268Ile (NM_001190388.2, NM_001374798.1); c.827C>T, p.Thr276Ile (NM_001374797.1); short protein forms T217I, T268I, T276I, T327I, T358I.
Identifiers: ClinVar variation 3756087 (VCV003756087.3).

ClinVar aggregate classification (germline): Uncertain significance. Review status: criteria provided, multiple submitters, no conflicts (2 of 4 stars). 2 submissions from 2 submitters: Uncertain significance (2). Last evaluated 2025-12-23.

Conditions:
GNE myopathy (NM). Also called: IBM 2; Inclusion body myopathy autosomal recessive; Inclusion body myopathy quadriceps sparing; NONAKA DISTAL MYOPATHY; INCLUSION BODY MYOPATHY, HEREDITARY, AUTOSOMAL RECESSIVE; INCLUSION BODY MYOPATHY 2, AUTOSOMAL RECESSIVE. Identifiers: Orphanet 602, MedGen C1853926, MONDO:0011603, OMIM 605820.
Sialuria. Also called: Sialic Acid Storage Disease; SIALURIA, FRENCH TYPE. Identifiers: Orphanet 3166, MedGen C0342853, MONDO:0010028, OMIM 269921.

gnomAD v4.1: 10 of 1,611,640 alleles (0.00062%); highest among the groups gnomAD compares: Non-Finnish European, 0.00085%; no homozygotes.

Submissions (2):

Myriad Genetics, Inc.
Classification: Uncertain significance for GNE myopathy. Last evaluated: 2025-12-23. Review status: criteria provided, single submitter. Criteria: Myriad Autosomal Dominant, Autosomal Recessive and X-Linked Classification Criteria (2023). Collection method: clinical testing. Allele origin: unknown.
Comment: NM_001128227.2(GNE):c.1073C>T(T358I) is a missense variant classified as a variant of uncertain significance in the context of GNE myopathy. T358I has been observed in cases with relevant disease (PMID: 39332896, 39539755). Relevant functional assessments of this variant are not available in the literature. T358I has been observed in referenced population frequency databases. In summary, there is insufficient evidence to classify NM_001128227.2(GNE):c.1073C>T(T358I) as pathogenic or benign. Please note: this variant was assessed in the context of healthy population screening.

Labcorp Genetics (formerly Invitae), Labcorp
Classification: Uncertain significance for Sialuria; GNE myopathy. Last evaluated: 2024-09-22. Review status: criteria provided, single submitter. Criteria: Invitae Variant Classification Sherloc (09022015). Collection method: clinical testing. Allele origin: germline.
Comment: This sequence change replaces threonine, which is neutral and polar, with isoleucine, which is neutral and non-polar, at codon 358 of the GNE protein (p.Thr358Ile). This variant is present in population databases (no rsID available, gnomAD 0.002%). This variant has not been reported in the literature in individuals affected with GNE-related conditions. An algorithm developed to predict the effect of missense changes on protein structure and function (PolyPhen-2) suggests that this variant is likely to be disruptive. In summary, the available evidence is currently insufficient to determine the role of this variant in disease. Therefore, it has been classified as a Variant of Uncertain Significance.

Literature cited by the submitters: PubMed 39332896 (cited by Myriad Genetics, Inc.); PubMed 39539755 (cited by Myriad Genetics, Inc.).